The following is an entry in ClinVar:

NM_001378454.1(ALMS1):c.9178G>T (p.Asp3060Tyr)

Gene: ALMS1 (ALMS1 centrosome and basal body associated protein; plus strand). Cytogenetic location: 2p13.1.
Variant type: single nucleotide variant.
Coding change: c.9178G>T on transcript NM_001378454.1 (MANE Select); coding-DNA position 9178, G replaced by T.
Protein change: p.Asp3060Tyr; replaces aspartic acid 3060 with tyrosine.
Molecular consequence: missense variant.
Genome position (GRCh38, 1-based): chr2:73,491,137, G>T. VCF-style: chr2-73491137-G-T. GRCh37 (hg19) VCF-style: chr2-73718264-G-T.
Other names: c.9181G>T, p.Asp3061Tyr (NM_015120.4); short protein forms D3061Y, D3060Y.
Identifiers: ClinVar variation 1034724 (VCV001034724.5), dbSNP rs547914710, ClinGen allele CA1714617.

ClinVar aggregate classification (germline): Uncertain significance. Review status: criteria provided, single submitter (1 of 4 stars). 2 submissions from 2 submitters: Uncertain significance (1). 1 of the submissions does not count toward it. Last evaluated 2020-01-31.

Conditions:
Alstrom syndrome (ALMS). Identifiers: Orphanet 64, MedGen C0268425, MONDO:0008763, OMIM 203800.

Allele frequency attached by ClinVar (database versions not stated): TOPMed below 0.00001; gnomAD 0.00001; ExAC 0.00002; gnomAD exomes 0.00002; 1000 Genomes Project 30x 0.00016; 1000 Genomes Project 0.00020.
gnomAD v4.1: 7 of 1,614,154 alleles (0.00043%); highest among the groups gnomAD compares: South Asian, 0.0055%; no homozygotes.

Submissions (2):

Labcorp Genetics (formerly Invitae), Labcorp
Classification: Uncertain significance for Alstrom syndrome. Last evaluated: 2020-01-31. Review status: criteria provided, single submitter. Criteria: Invitae Variant Classification Sherloc (09022015). Collection method: clinical testing. Allele origin: germline.
Comment: This sequence change replaces aspartic acid with tyrosine at codon 3061 of the ALMS1 protein (p.Asp3061Tyr). The aspartic acid residue is moderate conserved and there is a large physicochemical difference between aspartic acid and tyrosine. This variant is present in population databases (rs547914710, ExAC 0.01%). This variant has not been reported in the literature in individuals with ALMS1-related conditions. Experimental studies and prediction algorithms are not available or were not evaluated, and the functional significance of this variant is currently unknown. In summary, the available evidence is currently insufficient to determine the role of this variant in disease. Therefore, it has been classified as a Variant of Uncertain Significance.

Natera, Inc.
Classification: Uncertain significance for Alstrom syndrome. Last evaluated: 2020-05-26. Review status: no assertion criteria provided. Collection method: clinical testing. Allele origin: germline. Not counted in ClinVar's aggregate classification.